The following is an entry in ClinVar:

ClinVar aggregate classification (germline): Benign. Review status: criteria provided, multiple submitters, no conflicts (2 of 4 stars). 2 submissions from 2 submitters: Benign (2). Last evaluated 2017-09-28.

Allele frequency attached by ClinVar (database versions not stated): ESP Exome Variant Server 0.02035; TOPMed 0.02194; 1000 Genomes Project 30x 0.03201; 1000 Genomes Project 0.03355; ExAC 0.03520.
gnomAD v4.1: 45,675 of 1,611,402 alleles (2.8%); highest among the groups gnomAD compares: South Asian, 6.8%; 851 homozygotes.

Submissions (2):

GeneDx
Classification: Benign. Last evaluated: 2017-09-28. Review status: criteria provided, single submitter. Criteria: GeneDx Variant Classification (06012015). Collection method: clinical testing. Allele origin: germline. Affected: yes.
Comment: This variant is considered likely benign or benign based on one or more of the following criteria: it is a conservative change, it occurs at a poorly conserved position in the protein, it is predicted to be benign by multiple in silico algorithms, and/or has population frequency not consistent with disease.

Breakthrough Genomics
Classification: Benign. Review status: criteria provided, single submitter. Criteria: ACMG Guidelines, 2015. Collection method: not provided. Allele origin: germline. Inheritance: Autosomal recessive inheritance. Affected: yes.

NM_018429.3(BDP1):c.5006C>A (p.Pro1669Gln)

Gene: BDP1 (B double prime 1, subunit of RNA polymerase III transcription initiation factor IIIB; plus strand). Cytogenetic location: 5q13.2.
Variant type: single nucleotide variant.
Coding change: c.5006C>A on transcript NM_018429.3 (MANE Select); coding-DNA position 5006, C replaced by A.
Protein change: p.Pro1669Gln; replaces proline 1669 with glutamine.
Molecular consequence: missense variant.
Genome position (GRCh38, 1-based): chr5:71,522,303, C>A. VCF-style: chr5-71522303-C-A. GRCh37 (hg19) VCF-style: chr5-70818130-C-A.
Other names: short protein forms P1669Q.
Identifiers: ClinVar variation 508601 (VCV000508601.2), dbSNP rs34529158, ClinGen allele CA3296835.